The following is an entry in ClinVar:

ClinVar aggregate classification (germline): Uncertain significance (1 of 4 stars; one submission).

Submission:

Women's Health and Genetics/Laboratory Corporation of America, LabCorp
Classification: Uncertain significance. Last evaluated: 2025-11-28. Review status: criteria provided, single submitter. Criteria: LabCorp Variant Classification Summary - May 2015. Collection method: clinical testing. Allele origin: germline.
Comment: Variant summary: ARID1A c.257G>A (p.Gly86Asp) results in a non-conservative amino acid change in the encoded protein sequence. Algorithms developed to predict the effect of missense changes on protein structure and function are either unavailable or do not agree on the potential impact of this missense change. The frequency data for this variant in gnomAD is considered unreliable, as metrics indicate poor data quality at this position. To our knowledge, no occurrence of c.257G>A in individuals affected with ARID1A-related conditions and no experimental evidence demonstrating its impact on protein function have been reported. No submitters have cited clinical-significance assessments for this variant to ClinVar. Based on the evidence outlined above, the variant was classified as uncertain significance.

NM_006015.6(ARID1A):c.257G>A (p.Gly86Asp)

Gene: ARID1A (AT-rich interaction domain 1A; plus strand). Cytogenetic location: 1p36.11.
Variant type: single nucleotide variant.
Coding change: c.257G>A on transcript NM_006015.6 (MANE Select); coding-DNA position 257, G replaced by A.
Protein change: p.Gly86Asp; replaces glycine 86 with aspartic acid.
Molecular consequence: missense variant.
Genome position (GRCh38, 1-based): chr1:26,696,660, G>A. VCF-style: chr1-26696660-G-A. GRCh37 (hg19) VCF-style: chr1-27023151-G-A.
Other names: c.257G>A, p.Gly86Asp (NM_139135.4); short protein forms G86D.
Identifiers: ClinVar variation 4537251 (VCV004537251.1).